The following is an entry in ClinVar:

ClinVar aggregate classification (germline): Uncertain significance (1 of 4 stars; one submission).

Allele frequency attached by ClinVar (database versions not stated): ExAC 0.00001.

Submission:

Labcorp Genetics (formerly Invitae), Labcorp
Classification: Uncertain significance. Last evaluated: 2023-05-22. Review status: criteria provided, single submitter. Criteria: Invitae Variant Classification Sherloc (09022015). Collection method: clinical testing. Allele origin: germline.
Comment: Algorithms developed to predict the effect of missense changes on protein structure and function output the following: SIFT: "Not Available"; PolyPhen-2: "Benign"; Align-GVGD: "Not Available". The isoleucine amino acid residue is found in multiple mammalian species, which suggests that this missense change does not adversely affect protein function. In summary, the available evidence is currently insufficient to determine the role of this variant in disease. Therefore, it has been classified as a Variant of Uncertain Significance. ClinVar contains an entry for this variant (Variation ID: 1996236). This variant has not been reported in the literature in individuals affected with IFT57-related conditions. This variant is present in population databases (rs759082556, gnomAD 0.0009%). This sequence change replaces valine, which is neutral and non-polar, with isoleucine, which is neutral and non-polar, at codon 388 of the IFT57 protein (p.Val388Ile).

NM_018010.4(IFT57):c.1162G>A (p.Val388Ile)

Gene: IFT57 (intraflagellar transport 57; minus strand). Cytogenetic location: 3q13.12.
Variant type: single nucleotide variant.
Coding change: c.1162G>A on transcript NM_018010.4 (MANE Select); coding-DNA position 1162, G replaced by A.
Protein change: p.Val388Ile; replaces valine 388 with isoleucine.
Molecular consequence: missense variant.
Genome position (GRCh38, 1-based): chr3:108,162,605, C>T on the plus strand (G>A on the coding strand, the complement: IFT57 is on the minus strand). VCF-style: chr3-108162605-C-T. GRCh37 (hg19) VCF-style: chr3-107881452-C-T.
Other names: short protein forms V388I.
Identifiers: ClinVar variation 1996236 (VCV001996236.4), dbSNP rs759082556, ClinGen allele CA2526444.